The following is an entry in ClinVar:

ClinVar aggregate classification (germline): Uncertain significance. Review status: criteria provided, multiple submitters, no conflicts (2 of 4 stars). 2 submissions from 2 submitters: Uncertain significance (2). Last evaluated 2026-03-29.

Conditions:
Fanconi anemia (FA). Also called: Fanconi's anemia. Identifiers: Orphanet 84, MedGen C0015625, MeSH D005199, MONDO:0019391.
Inborn genetic diseases. Identifiers: MedGen C0950123, MeSH D030342.

Submissions (2):

Ambry Genetics
Classification: Uncertain significance for Inborn genetic diseases. Last evaluated: 2026-03-29. Review status: criteria provided, single submitter. Criteria: Ambry Variant Classification Scheme 2023. Collection method: clinical testing. Allele origin: germline.
Comment: The p.G549D variant (also known as c.1646G>A), located in coding exon 10 of the FANCM gene, results from a G to A substitution at nucleotide position 1646. The glycine at codon 549 is replaced by aspartic acid, an amino acid with similar properties. This amino acid position is conserved. In addition, this alteration is predicted to be deleterious by in silico analysis. Based on the available evidence, the clinical significance of this variant remains unclear.

Labcorp Genetics (formerly Invitae), Labcorp
Classification: Uncertain significance for Fanconi anemia. Last evaluated: 2023-03-16. Review status: criteria provided, single submitter. Criteria: Invitae Variant Classification Sherloc (09022015). Collection method: clinical testing. Allele origin: germline.
Comment: In summary, the available evidence is currently insufficient to determine the role of this variant in disease. Therefore, it has been classified as a Variant of Uncertain Significance. An algorithm developed to predict the effect of missense changes on protein structure and function (PolyPhen-2) suggests that this variant is likely to be disruptive. This variant has not been reported in the literature in individuals affected with FANCM-related conditions. This variant is not present in population databases (gnomAD no frequency). This sequence change replaces glycine, which is neutral and non-polar, with aspartic acid, which is acidic and polar, at codon 549 of the FANCM protein (p.Gly549Asp).

NM_020937.4(FANCM):c.1646G>A (p.Gly549Asp)

Gene: FANCM (FA complementation group M; plus strand). Cytogenetic location: 14q21.2.
Variant type: single nucleotide variant.
Coding change: c.1646G>A on transcript NM_020937.4 (MANE Select); coding-DNA position 1646, G replaced by A.
Protein change: p.Gly549Asp; replaces glycine 549 with aspartic acid.
Molecular consequence: missense variant.
Genome position (GRCh38, 1-based): chr14:45,164,423, G>A. VCF-style: chr14-45164423-G-A. GRCh37 (hg19) VCF-style: chr14-45633626-G-A.
Other names: c.1568G>A, p.Gly523Asp (NM_001308133.2); c.1646G>A, p.Gly549Asp (NM_001308134.2); short protein forms G523D, G549D.
Identifiers: ClinVar variation 2843744 (VCV002843744.4), dbSNP rs2139204587, ClinGen allele CA389593666.